The following is an entry in ClinVar:

NM_002460.4(IRF4):c.590C>T (p.Thr197Met)

Gene: IRF4 (interferon regulatory factor 4; plus strand). Cytogenetic location: 6p25.3.
Variant type: single nucleotide variant.
Coding change: c.590C>T on transcript NM_002460.4 (MANE Select); coding-DNA position 590, C replaced by T.
Protein change: p.Thr197Met; replaces threonine 197 with methionine.
Molecular consequence: missense variant. On other transcripts: non-coding transcript variant (1).
Genome position (GRCh38, 1-based): chr6:397,205, C>T. VCF-style: chr6-397205-C-T. GRCh37 (hg19) VCF-style: chr6-397205-C-T.
Other names: c.587C>T, p.Thr196Met (NM_001195286.2); short protein forms T196M, T197M.
Identifiers: ClinVar variation 2128058 (VCV002128058.4), dbSNP rs372869810, ClinGen allele CA3612744.

ClinVar aggregate classification (germline): Uncertain significance (1 of 4 stars; one submission).

Allele frequency attached by ClinVar (database versions not stated): gnomAD exomes below 0.00001; ExAC 0.00001; ESP Exome Variant Server 0.00008.

Submission:

Labcorp Genetics (formerly Invitae), Labcorp
Classification: Uncertain significance. Last evaluated: 2024-07-29. Review status: criteria provided, single submitter. Criteria: Invitae Variant Classification Sherloc (09022015). Collection method: clinical testing. Allele origin: germline.
Comment: This sequence change replaces threonine, which is neutral and polar, with methionine, which is neutral and non-polar, at codon 197 of the IRF4 protein (p.Thr197Met). This variant is present in population databases (rs372869810, gnomAD 0.007%). This variant has not been reported in the literature in individuals affected with IRF4-related conditions. ClinVar contains an entry for this variant (Variation ID: 2128058). An algorithm developed to predict the effect of missense changes on protein structure and function (PolyPhen-2) suggests that this variant is likely to be tolerated. In summary, the available evidence is currently insufficient to determine the role of this variant in disease. Therefore, it has been classified as a Variant of Uncertain Significance.